The following is an entry in ClinVar:

ClinVar aggregate classification (germline): Uncertain significance (1 of 4 stars; one submission).

Conditions:
Cortical dysplasia-focal epilepsy syndrome (PTHSL1). Also called: Pitt-Hopkins-like syndrome 1. Identifiers: Orphanet 163681, Orphanet 221150, MedGen C2750246, MONDO:0012400, OMIM 610042.

Allele frequency attached by ClinVar (database versions not stated): TOPMed below 0.00001; gnomAD exomes 0.00001; ExAC 0.00002.
gnomAD v4.1: 5 of 1,614,154 alleles (0.00031%); highest among the groups gnomAD compares: Admixed American, 0.0067%; no homozygotes.

Submission:

Labcorp Genetics (formerly Invitae), Labcorp
Classification: Uncertain significance for Cortical dysplasia-focal epilepsy syndrome. Last evaluated: 2022-09-01. Review status: criteria provided, single submitter. Criteria: Invitae Variant Classification Sherloc (09022015). Collection method: clinical testing. Allele origin: germline.
Comment: In summary, the available evidence is currently insufficient to determine the role of this variant in disease. Therefore, it has been classified as a Variant of Uncertain Significance. Algorithms developed to predict the effect of missense changes on protein structure and function (SIFT, PolyPhen-2, Align-GVGD) all suggest that this variant is likely to be disruptive. This variant has not been reported in the literature in individuals affected with CNTNAP2-related conditions. This variant is present in population databases (rs761376780, gnomAD 0.006%). This sequence change replaces proline, which is neutral and non-polar, with glutamine, which is neutral and polar, at codon 1139 of the CNTNAP2 protein (p.Pro1139Gln).

NM_014141.6(CNTNAP2):c.3416C>A (p.Pro1139Gln)

Gene: CNTNAP2 (contactin associated protein 2; plus strand). Cytogenetic location: 7q36.1.
Variant type: single nucleotide variant.
Coding change: c.3416C>A on transcript NM_014141.6 (MANE Select); coding-DNA position 3416, C replaced by A.
Protein change: p.Pro1139Gln; replaces proline 1139 with glutamine.
Molecular consequence: missense variant.
Genome position (GRCh38, 1-based): chr7:148,267,067, C>A. VCF-style: chr7-148267067-C-A. GRCh37 (hg19) VCF-style: chr7-147964159-C-A.
Other names: short protein forms P1139Q.
Identifiers: ClinVar variation 1930402 (VCV001930402.5), dbSNP rs761376780, ClinGen allele CA4546648.